The following is an entry in ClinVar:

NM_182961.4(SYNE1):c.6826-239T>G

Gene: SYNE1 (spectrin repeat containing nuclear envelope protein 1; minus strand). Cytogenetic location: 6q25.2.
Variant type: single nucleotide variant.
Coding change: c.6826-239T>G on transcript NM_182961.4 (MANE Select); 239 bases into the intron before coding-DNA position 6826, T replaced by G.
Molecular consequence: intron variant.
Genome position (GRCh38, 1-based): chr6:152,401,580, A>C on the plus strand (T>G on the coding strand, the complement: SYNE1 is on the minus strand). VCF-style: chr6-152401580-A-C. GRCh37 (hg19) VCF-style: chr6-152722715-A-C.
Other names: c.6847-239T>G (NM_033071.5).
Identifiers: ClinVar variation 670646 (VCV000670646.1), dbSNP rs214952, ClinGen allele CA15441543.
Genomic context (GRCh38, chr6:152,401,580, plus strand): 5'-CATGAAGTGATGGGCAAATAGAAAGAGGAAGGATTGTGTTAACACTGGGTGGGAGAGTGG[A>C]AGCTCTAACTGAGGTTCCAGGGAAGATGTGAGAGGGCATTCTGAAAGTAGAGCTAGACCT-3'

ClinVar aggregate classification (germline): Benign (1 of 4 stars; one submission).

Allele frequency attached by ClinVar (database versions not stated): gnomAD 0.52513 and 0.52621; TOPMed 0.53449; 1000 Genomes Project 30x 0.60322; 1000 Genomes Project 0.60403.
gnomAD v4.1: 79,703 of 151,936 alleles (52%); highest among the groups gnomAD compares: African/African-American, 77%; 23,206 homozygotes.

Submission:

GeneDx
Classification: Benign. Last evaluated: 2018-06-14. Review status: criteria provided, single submitter. Criteria: GeneDx Variant Classification (06012015). Collection method: clinical testing. Allele origin: germline. Affected: yes.
Comment: This variant is considered likely benign or benign based on one or more of the following criteria: it is a conservative change, it occurs at a poorly conserved position in the protein, it is predicted to be benign by multiple in silico algorithms, and/or has population frequency not consistent with disease.